The following is an entry in ClinVar:

NM_002495.4(NDUFS4):c.26del (p.Val9fs)

Genes: NDUFS4 (NADH:ubiquinone oxidoreductase subunit S4; plus strand), LOC129993885 (ATAC-STARR-seq lymphoblastoid active region 22547; plus strand). Cytogenetic location: 5q11.2.
Variant type: Deletion.
Coding change: c.26del on transcript NM_002495.4 (MANE Select); coding-DNA position 26, one base deleted (T; older notation c.26delT).
Protein change: p.Val9fs; shifts the reading frame from valine 9.
Molecular consequence: frameshift variant. On other transcripts: non-coding transcript variant (3).
Genome position (GRCh38, 1-based): chr5:53,560,688, T deleted. VCF-style (leftmost placement, unchanged base first): chr5-53560687-GT-G. GRCh37 (hg19) VCF-style: chr5-52856517-GT-G.
Other names: c.26del, p.Val9fs (NM_001318051.2); short protein forms V9fs.
Identifiers: ClinVar variation 2676991 (VCV002676991.5), dbSNP rs769106495, ClinGen allele CA3264129.
Genomic context (GRCh38, chr5:53,560,687, plus strand): 5'-ATCCGTCCTTTCATCCTGGCGTTTGCCTGCAGCAAGATGGCGGCGGTGTCAATGTCAGTG[GT>G]ACTGAGGCAGACGTTGTGGCGGAGAAGGGCAGTGGCTGTAGCTGCCCTTTCCGTTTCCAG-3'

ClinVar aggregate classification (germline): Pathogenic/Likely pathogenic. Review status: criteria provided, multiple submitters, no conflicts (2 of 4 stars). 3 submissions from 3 submitters: Pathogenic (1); Likely pathogenic (2). Last evaluated 2024-02-10.

Conditions:
Mitochondrial complex I deficiency, nuclear type 1. Also called: NADH-COENZYME Q REDUCTASE DEFICIENCY; MITOCHONDRIAL NADH DEHYDROGENASE COMPONENT OF COMPLEX I, DEFICIENCY OF. Identifiers: MedGen C6022305, MONDO:0100224, OMIM 252010.

Allele frequency attached by ClinVar (database versions not stated): ExAC 0.00001.

Submissions (3):

Fulgent Genetics
Classification: Likely pathogenic for Mitochondrial complex I deficiency, nuclear type 1. Last evaluated: 2024-02-10. Review status: criteria provided, single submitter. Criteria: ACMG Guidelines, 2015. Collection method: clinical testing. Allele origin: germline.

Labcorp Genetics (formerly Invitae), Labcorp
Classification: Pathogenic. Last evaluated: 2023-08-28. Review status: criteria provided, single submitter. Criteria: Invitae Variant Classification Sherloc (09022015). Collection method: clinical testing. Allele origin: germline.
Comment: For these reasons, this variant has been classified as Pathogenic. This variant has not been reported in the literature in individuals affected with NDUFS4-related conditions. This variant is not present in population databases (gnomAD no frequency). This sequence change creates a premature translational stop signal (p.Val9Aspfs*2) in the NDUFS4 gene. It is expected to result in an absent or disrupted protein product. Loss-of-function variants in NDUFS4 are known to be pathogenic (PMID: 10944442, 16213125).

Baylor Genetics
Classification: Likely pathogenic for Mitochondrial complex I deficiency, nuclear type 1. Last evaluated: 2023-08-16. Review status: criteria provided, single submitter. Criteria: ACMG Guidelines, 2015. Collection method: clinical testing. Allele origin: unknown.

Literature cited by the submitters: PubMed 10944442 (cited by Labcorp Genetics (formerly Invitae), Labcorp); PubMed 16213125 (cited by Labcorp Genetics (formerly Invitae), Labcorp).